The following is an entry in ClinVar:

ClinVar aggregate classification (germline): Likely benign (1 of 4 stars; one submission).

Allele frequency attached by ClinVar (database versions not stated): gnomAD exomes below 0.00001.
gnomAD v4.1: 6 of 1,606,906 alleles (0.00037%); highest among the groups gnomAD compares: Non-Finnish European, 0.00051%; no homozygotes.

Submission:

CeGaT Center for Human Genetics Tuebingen
Classification: Likely benign. Last evaluated: 2022-10-01. Review status: criteria provided, single submitter. Criteria: CeGaT Center For Human Genetics Tuebingen Variant Classification Criteria Version 2. Collection method: clinical testing. Allele origin: germline. Affected: yes. Observed: 1 variant allele.
Comment: ZNF736: PM2:Supporting, BP4, BP7

NM_001170905.3(ZNF736):c.804C>T (p.Cys268=)

Gene: ZNF736 (zinc finger protein 736; plus strand). Cytogenetic location: 7q11.21.
Variant type: single nucleotide variant.
Coding change: c.804C>T on transcript NM_001170905.3 (MANE Select); coding-DNA position 804, C replaced by T.
Protein change: p.Cys268=; no amino-acid change (cysteine 268 retained).
Molecular consequence: synonymous variant.
Genome position (GRCh38, 1-based): chr7:64,348,667, C>T. VCF-style: chr7-64348667-C-T. GRCh37 (hg19) VCF-style: chr7-63809045-C-T.
Identifiers: ClinVar variation 2657522 (VCV002657522.24), dbSNP rs879085588, ClinGen allele CA455675680.